The following is an entry in ClinVar:

NM_024422.6(DSC2):c.1263+4_1263+7del

Gene: DSC2 (desmocollin 2; minus strand). Cytogenetic location: 18q12.1.
Variant type: Deletion.
Coding change: c.1263+4_1263+7del on transcript NM_024422.6 (MANE Select); bases 4 to 7 of the intron after coding-DNA position 1263, 4 bases deleted (AGAA; older notation c.1263+4_1263+7delAGAA).
Molecular consequence: intron variant.
Genome position (GRCh38, 1-based): chr18:31,082,231-31,082,234, TTCT deleted on the plus strand (AGAA on the coding strand, the reverse complement: DSC2 is on the minus strand); deleting any 4 consecutive bases within chr18:31,082,231-31,082,235 gives the same sequence; the c. name uses the placement nearest the transcript's 3' end. VCF-style (leftmost placement, unchanged base first): chr18-31082230-ATTCT-A. GRCh37 (hg19) VCF-style: chr18-28662196-ATTCT-A.
Other names: c.1263+4_1263+7delAGAA (NM_024422.6); c.1263+4_1263+7del (NM_004949.5); c.834+4_834+7del (NM_001406506.1, NM_001406507.1).
Identifiers: ClinVar variation 4525785 (VCV004525785.1).

ClinVar aggregate classification (germline): Uncertain significance (1 of 4 stars; one submission).

Submission:

Women's Health and Genetics/Laboratory Corporation of America, LabCorp
Classification: Uncertain significance. Last evaluated: 2025-07-18. Review status: criteria provided, single submitter. Criteria: LabCorp Variant Classification Summary - May 2015. Collection method: clinical testing. Allele origin: germline.
Comment: Variant summary: DSC2 c.1263+4_1263+7delAGAA alters a nucleotide located close to a canonical splice site and therefore could affect mRNA splicing, leading to a significantly altered protein sequence. Several computational tools predict a significant impact on normal splicing: Three predict the variant weakens a 5' donor site. However, these predictions have yet to be confirmed by functional studies. The variant was absent in 249602 control chromosomes. The available data on variant occurrences in the general population are insufficient to allow any conclusion about variant significance. To our knowledge, no occurrence of c.1263+4_1263+7delAGAA in individuals affected with Arrhythmogenic Right Ventricular Dysplasia/Cardiomyopathy and no experimental evidence demonstrating its impact on protein function have been reported. No submitters have cited clinical-significance assessments for this variant to ClinVar. Based on the evidence outlined above, the variant was classified as uncertain significance.